The following is an entry in ClinVar:

NM_144687.4(NLRP12):c.1197C>T (p.Thr399=)

Gene: NLRP12 (NLR family pyrin domain containing 12; minus strand). Cytogenetic location: 19q13.42.
Variant type: single nucleotide variant.
Coding change: c.1197C>T on transcript NM_144687.4 (MANE Select); coding-DNA position 1197, C replaced by T.
Protein change: p.Thr399=; no amino-acid change (threonine 399 retained).
Molecular consequence: synonymous variant.
Genome position (GRCh38, 1-based): chr19:53,810,462, G>A on the plus strand (C>T on the coding strand, the complement: NLRP12 is on the minus strand). VCF-style: chr19-53810462-G-A. GRCh37 (hg19) VCF-style: chr19-54313716-G-A.
Other names: c.1197C>T, p.Thr399= (NM_001277126.2, NM_001277129.1).
Identifiers: ClinVar variation 1711487 (VCV001711487.30), dbSNP rs752594692, ClinGen allele CA9639501.
Genomic context (GRCh38, chr19:53,810,462, plus strand): 5'-CTCCAGCTGCTGCTGGAGGCAGGTACACACCACCCAGCACACCAGGGGGACGAAGCACAT[G>A]GTGAAGAGAGGCTCGTTGTCCCTCACGTAATTGAAGACTTGGCCCGCCTGCTCTGCATTG-3'
Protein context (NP_653288.1, residues 389-409): NYVRDNEPLF[Thr399=]MCFVPLVCWV

ClinVar aggregate classification (germline): Likely benign (1 of 4 stars; one submission).

Allele frequency attached by ClinVar (database versions not stated): ExAC 0.00001.

Submission:

CeGaT Center for Human Genetics Tuebingen
Classification: Likely benign. Last evaluated: 2022-09-01. Review status: criteria provided, single submitter. Criteria: CeGaT Center For Human Genetics Tuebingen Variant Classification Criteria Version 2. Collection method: clinical testing. Allele origin: germline. Affected: yes. Observed: 1 variant allele.
Comment: NLRP12: BP4, BP7